The following is an entry in ClinVar:

NM_000355.4(TCN2):c.581-1G>A

Gene: TCN2 (transcobalamin 2; plus strand). Cytogenetic location: 22q12.2.
Variant type: single nucleotide variant.
Coding change: c.581-1G>A on transcript NM_000355.4 (MANE Select); the canonical splice acceptor site of the intron before coding-DNA position 581, G replaced by A.
Molecular consequence: splice acceptor variant.
Genome position (GRCh38, 1-based): chr22:30,615,300, G>A. VCF-style: chr22-30615300-G-A. GRCh37 (hg19) VCF-style: chr22-31011287-G-A.
Other names: c.500-1G>A (NM_001184726.2).
Identifiers: ClinVar variation 3647860 (VCV003647860.3).
Genomic context (GRCh38, chr22:30,615,300, plus strand): 5'-CCTGCCTGTCCTGGCCCCTTTGGCTCTCCAGCTCATTGCATGTTCTGTCCCCCACTTCAA[G>A]ACACAGCAGCCATGGCAGGCTTGGCATTCACCTGTCTGAAGCGCTCAAACTTCAACCCTG-3'

ClinVar aggregate classification (germline): Likely pathogenic. Review status: criteria provided, multiple submitters, no conflicts (2 of 4 stars). 2 submissions from 2 submitters: Likely pathogenic (2). Last evaluated 2026-04-01.

Conditions:
Transcobalamin II deficiency (TCN2D). Also called: Transcolabamin II deficiency; TC II DEFICIENCY; TCN2 DEFICIENCY. Identifiers: Orphanet 859, MedGen C0342701, MONDO:0010149, OMIM 275350.
Primary ciliary dyskinesia. Also called: Ciliary dyskinesia. Identifiers: Orphanet 244, MedGen C0008780, MONDO:0016575, HP:0012265.

gnomAD v4.1: 2 of 1,614,074 alleles (0.00012%); highest among the groups gnomAD compares: Non-Finnish European, 0.000085%; no homozygotes.

Submissions (2):

Department of Human Genetics, Hannover Medical School
Classification: Likely pathogenic for Primary Ciliary Dyskinesia. Last evaluated: 2026-04-01. Review status: criteria provided, single submitter. Criteria: ACMG Guidelines, 2015. Collection method: research. Allele origin: germline. Affected: no.
Comment: Classification performed by HerediClassify using the following criteria:['PM2_supporting: Variant occures does not occur as homozygous in gnomAD.', 'PVS1_splicing_very_strong: Transcript ENST00000215838 undergoes NMD.']

Labcorp Genetics (formerly Invitae), Labcorp
Classification: Likely pathogenic for Transcobalamin II deficiency. Last evaluated: 2024-04-03. Review status: criteria provided, single submitter. Criteria: Invitae Variant Classification Sherloc (09022015). Collection method: clinical testing. Allele origin: germline.
Comment: This sequence change affects an acceptor splice site in intron 4 of the TCN2 gene. It is expected to disrupt RNA splicing. Variants that disrupt the donor or acceptor splice site typically lead to a loss of protein function (PMID: 16199547), and loss-of-function variants in TCN2 are known to be pathogenic (PMID: 7980584, 20352340). This variant is not present in population databases (gnomAD no frequency). This variant has not been reported in the literature in individuals affected with TCN2-related conditions. Algorithms developed to predict the effect of sequence changes on RNA splicing suggest that this variant may disrupt the consensus splice site. In summary, the currently available evidence indicates that the variant is pathogenic, but additional data are needed to prove that conclusively. Therefore, this variant has been classified as Likely Pathogenic.

Literature cited by the submitters: PubMed 16199547 (cited by Labcorp Genetics (formerly Invitae), Labcorp); PubMed 7980584 (cited by Labcorp Genetics (formerly Invitae), Labcorp); PubMed 20352340 (cited by Labcorp Genetics (formerly Invitae), Labcorp).